The following is an entry in ClinVar:

NM_000548.5(TSC2):c.2592_2593dup (p.Tyr865fs)

Gene: TSC2 (TSC complex subunit 2; plus strand). Cytogenetic location: 16p13.3.
Variant type: Duplication.
Coding change: c.2592_2593dup on transcript NM_000548.5 (MANE Select); coding-DNA positions 2592 to 2593, 2 bases duplicated (GT; older notation c.2592_2593dupGT).
Protein change: p.Tyr865fs; shifts the reading frame from tyrosine 865.
Molecular consequence: frameshift variant. On other transcripts: non-coding transcript variant (5).
Genome position (GRCh38, 1-based): chr16:2,075,845-2,075,846, GT duplicated. VCF-style (leftmost placement, unchanged base first): chr16-2075844-A-AGT. GRCh37 (hg19) VCF-style: chr16-2125845-A-AGT.
Other names: c.2592_2593dup, p.Tyr865fs (NM_001077183.3, NM_001114382.3, NM_001363528.2 and 6 more transcripts); c.2481_2482dup, p.Tyr828fs (NM_001318827.2, NM_001406670.1, NM_001406678.1); c.2445_2446dup, p.Tyr816fs (NM_001318829.2, NM_001406675.1, NM_001406676.1 and 1 more transcripts); c.1992_1993dup, p.Tyr665fs (NM_001318831.2, NM_001406680.1, NM_001406682.1 and 6 more transcripts); c.2625_2626dup, p.Tyr876fs (NM_001318832.2); c.2682_2683dup, p.Tyr895fs (NM_001406667.1, NM_001406668.1); c.2580_2581dup, p.Tyr861fs (NM_001406671.1, NM_001406673.1); c.2535_2536dup, p.Tyr846fs (NM_001406677.1); and 3 more; short protein forms Y665fs, Y846fs, Y331fs, Y895fs, Y711fs, Y828fs, Y861fs, Y865fs.
Identifiers: ClinVar variation 3571467 (VCV003571467.1).

ClinVar aggregate classification (germline): Likely pathogenic (1 of 4 stars; one submission).

Submission:

Athena Diagnostics
Classification: Likely pathogenic. Last evaluated: 2024-01-24. Review status: criteria provided, single submitter. Criteria: Athena Diagnostics Criteria. Collection method: clinical testing. Allele origin: unknown.
Comment: This variant is expected to result in the loss of a functional protein. This variant has not been reported in large, multi-ethnic general populations.